The following is an entry in ClinVar:

ClinVar aggregate classification (germline): Conflicting classifications of pathogenicity. Review status: criteria provided, conflicting classifications (1 of 4 stars). 32 submissions from 32 submitters: Uncertain significance (2); Benign (10); Likely benign (13). 7 of the submissions do not count toward it. Last evaluated 2026-09-01.

Conditions:
ATM-related disorder. Also called: ATM-related disorders; ATM-related condition.
Breast and/or ovarian cancer. Identifiers: MedGen CN221562.
Hereditary cancer-predisposing syndrome. Also called: Neoplastic Syndromes, Hereditary; Hereditary Cancer Syndrome; Tumor predisposition; Hereditary neoplastic syndrome. Identifiers: Orphanet 140162, MedGen C0027672, MeSH D009386, MONDO:0015356.
Carcinoma of colon (CRC). Also called: Colonic carcinoma; Colon carcinoma. Identifiers: MedGen C0699790, MONDO:0002032.
Familial cancer of breast. Also called: hereditary breast carcinoma; BREAST CANCER, FAMILIAL; Hereditary breast cancer. Identifiers: Orphanet 227535, MedGen C0346153, MONDO:0016419, OMIM 114480. Disease mechanism: loss of function.
Ataxia-telangiectasia syndrome (AT). Also called: LOUIS-BAR SYNDROME; Cerebello-oculocutaneous telangiectasia; Immunodeficiency with ataxia telangiectasia; Ataxia-telangiectasia, complementation group E; Ataxia telangiectasia (A-T); Ataxia-telangiectasia, complementation group D. Identifiers: Orphanet 100, MedGen C0004135, MONDO:0008840, OMIM 208900.
Intellectual disability. Also called: intellectual disabilities; Intellectual functioning disability; Intellectual developmental disorder. Identifiers: MedGen C3714756, MeSH D008607, MONDO:0001071, HP:0001249.

Allele frequency attached by ClinVar (database versions not stated): 1000 Genomes Project 0.00080; 1000 Genomes Project 30x 0.00141; ESP Exome Variant Server 0.00177; gnomAD 0.00185 and 0.00186; ExAC 0.00217; gnomAD exomes 0.00222 and 0.00292; TOPMed 0.00230.
gnomAD v4.1: 4,554 of 1,613,936 alleles (0.28%); highest among the groups gnomAD compares: Non-Finnish European, 0.34%; 11 homozygotes.

Submissions 1 to 21 of 32:

CeGaT Center for Human Genetics Tuebingen
Classification: Likely benign. Last evaluated: 2026-09-01. Review status: criteria provided, single submitter. Criteria: CeGaT Center For Human Genetics Tuebingen Variant Classification Criteria Version 2. Collection method: clinical testing. Allele origin: germline. Affected: yes. Observed: 51 variant alleles.
Comment: ATM: BS2

Labcorp Genetics (formerly Invitae), Labcorp
Classification: Benign for Ataxia-telangiectasia syndrome. Last evaluated: 2026-02-04. Review status: criteria provided, single submitter. Criteria: Invitae Variant Classification Sherloc (09022015). Collection method: clinical testing. Allele origin: germline.

Mayo Clinic Laboratories, Mayo Clinic
Classification: Likely benign. Last evaluated: 2025-05-23. Review status: criteria provided, single submitter. Criteria: ACMG Guidelines, 2015. Collection method: clinical testing. Allele origin: germline. Observed: 22 variant alleles.
Comment: BS1, BP4

Center for Genomic Medicine, Rigshospitalet, Copenhagen University Hospital
Classification: Likely benign. Last evaluated: 2025-03-04. Review status: criteria provided, single submitter. Criteria: ACMG Guidelines, 2015. Collection method: clinical testing. Allele origin: germline.

Myriad Genetics, Inc.
Classification: Benign for Familial cancer of breast. Last evaluated: 2025-01-10. Review status: criteria provided, single submitter. Criteria: Myriad Autosomal Dominant, Autosomal Recessive and X-Linked Classification Criteria (2023). Collection method: clinical testing. Allele origin: unknown.
Comment: This variant is considered benign. This variant is strongly associated with less severe personal and family histories of cancer, typical for individuals without pathogenic variants in this gene [PMID: 25085752]. This variant has been observed at a population frequency that is significantly greater than expected given the associated disease prevalence and penetrance.

Blueprint Genetics
Classification: Likely benign. Last evaluated: 2024-11-27. Review status: criteria provided, single submitter. Criteria: ACMG Guidelines, 2015. Collection method: clinical testing. Allele origin: germline.

ARUP Laboratories, Molecular Genetics and Genomics, ARUP Laboratories
Classification: Benign. Last evaluated: 2024-08-13. Review status: criteria provided, single submitter. Criteria: ARUP Molecular Germline Variant Investigation Process 2024. Collection method: clinical testing. Allele origin: germline.

CHEO Genetics Diagnostic Laboratory, Children's Hospital of Eastern Ontario
Classification: Likely benign for Breast and/or ovarian cancer. Last evaluated: 2023-06-12. Review status: criteria provided, single submitter. Criteria: ACMG Guidelines, 2015. Collection method: clinical testing. Allele origin: germline.

Clinical Genetics Laboratory, Skane University Hospital Lund
Classification: Likely benign. Last evaluated: 2022-05-27. Review status: criteria provided, single submitter. Criteria: ACMG Guidelines, 2015. Collection method: clinical testing. Allele origin: germline. Affected: yes.

Quest Diagnostics Nichols Institute San Juan Capistrano
Classification: Benign. Last evaluated: 2021-11-23. Review status: criteria provided, single submitter. Criteria: Quest Diagnostics criteria. Collection method: clinical testing. Allele origin: unknown.

Institute for Clinical Genetics, University Hospital TU Dresden, University Hospital TU Dresden
Classification: Uncertain significance. Last evaluated: 2021-11-03. Review status: criteria provided, single submitter. Criteria: ACMG Guidelines, 2015. Collection method: clinical testing. Allele origin: germline.

Genetic Services Laboratory, University of Chicago
Classification: Likely benign. Last evaluated: 2020-12-08. Review status: criteria provided, single submitter. Criteria: ACMG Guidelines, 2015. Collection method: clinical testing. Allele origin: germline. Affected: no.

St. Jude Molecular Pathology, St. Jude Children's Research Hospital
Classification: Likely benign for Ataxia-telangiectasia syndrome. Last evaluated: 2020-08-19. Review status: criteria provided, single submitter. Criteria: St. Jude Assertion Criteria 2020. Collection method: clinical testing. Allele origin: germline.

Sema4
Classification: Benign for Hereditary cancer-predisposing syndrome. Last evaluated: 2020-07-15. Review status: criteria provided, single submitter. Criteria: Sema4 Curation Guidelines. Collection method: curation. Allele origin: germline.

Cambridge Genomics Laboratory, East Genomic Laboratory Hub, NHS Genomic Medicine Service
Classification: Benign for Intellectual disability. Last evaluated: 2019-09-11. Review status: criteria provided, single submitter. Criteria: ACGS Best Practice Guidelines for Variant Classification in Rare Disease 2020. Collection method: clinical testing. Allele origin: germline. Affected: yes. Observed: 1 variant allele.

Mendelics
Classification: Likely benign for Ataxia-telangiectasia syndrome. Last evaluated: 2019-05-28. Review status: criteria provided, single submitter. Criteria: Mendelics Assertion Criteria 2017. Collection method: clinical testing. Allele origin: unknown.

Institute for Biomarker Research, Medical Diagnostic Laboratories, L.L.C.
Classification: Likely benign for Hereditary cancer-predisposing syndrome. Last evaluated: 2018-05-23. Review status: criteria provided, single submitter. Criteria: ACMG Guidelines, 2015. Collection method: clinical testing. Allele origin: germline.

Athena Diagnostics
Classification: Benign. Last evaluated: 2017-09-11. Review status: criteria provided, single submitter. Criteria: Athena Diagnostics Criteria. Collection method: clinical testing. Allele origin: germline.

Illumina Laboratory Services, Illumina
Classification: Likely benign for Ataxia-telangiectasia syndrome. Last evaluated: 2017-04-27. Review status: criteria provided, single submitter. Criteria: ICSL Variant Classification Criteria 13 December 2019. Collection method: clinical testing. Allele origin: germline.
Comment: This variant was observed as part of a predisposition screen in an ostensibly healthy population. A literature search was performed for the gene, cDNA change, and amino acid change (where applicable). Publications were found based on this search. The evidence from the literature, in combination with allele frequency data from public databases where available, was sufficient to determine this variant is unlikely to cause disease. Therefore, this variant is classified as likely benign.

GeneDx
Classification: Benign. Last evaluated: 2016-11-29. Review status: criteria provided, single submitter. Criteria: GeneDx Variant Classification (06012015). Collection method: clinical testing. Allele origin: germline. Affected: yes.
Comment: This variant is considered likely benign or benign based on one or more of the following criteria: it is a conservative change, it occurs at a poorly conserved position in the protein, it is predicted to be benign by multiple in silico algorithms, and/or has population frequency not consistent with disease.

Women's Health and Genetics/Laboratory Corporation of America, LabCorp
Classification: Likely benign. Last evaluated: 2016-06-10. Review status: criteria provided, single submitter. Criteria: LabCorp Variant Classification Summary - May 2015. Collection method: clinical testing. Allele origin: germline.
Comment: Variant summary: The ATM c.1229T>C (p.Val410Ala) variant involves the alteration of a conserved nucleotide. 3/4 in silico tools predict a damaging outcome (SNPs&GO not captured due to low reliability index). This variant was found in 270/126714 control chromosomes (2 homozygotes) at a frequency of 0.0021308, which is approximately 4 times the estimated maximal expected allele frequency of a pathogenic ATM variant (0.0005001), suggesting this variant is likely a benign polymorphism. This variant has been found in patients with various types of cancer, including breast cancer, uterine serous carcinoma, lymphoma, chronic lymphocytic leukemia, and melanoma. It has not been reported in patients with ataxia-telangiectasia. Two large case-control studies showed that this variant is not associated with breast cancer (Tavtigian 2009; Haiman 2013). Thus available patient and control data show that this variant is a polymorphism found in patients as well as unaffected individuals. In addition, three clinical laboratories have classified this variant as benign/likely benign albeit another lab consider it as uncertain significance, all without evidence to independently evaluate. Taken together, this variant has been classified as Likely benign until more evidence becomes available.

NM_000051.4(ATM):c.1229T>C (p.Val410Ala)

Gene: ATM (ATM serine/threonine kinase; plus strand). Cytogenetic location: 11q22.3.
Variant type: single nucleotide variant.
Coding change: c.1229T>C on transcript NM_000051.4 (MANE Select); coding-DNA position 1229, T replaced by C.
Protein change: p.Val410Ala; replaces valine 410 with alanine.
Molecular consequence: missense variant.
Genome position (GRCh38, 1-based): chr11:108,249,096, T>C. VCF-style: chr11-108249096-T-C. GRCh37 (hg19) VCF-style: chr11-108119823-T-C.
Other names: p.V410A:GTG>GCG; c.1229T>C, p.Val410Ala (NM_001351834.2); short protein forms V410A.
Identifiers: ClinVar variation 127332 (VCV000127332.112), dbSNP rs56128736, ClinGen allele CA157210.